The following is an entry in ClinVar:

ClinVar aggregate classification (germline): Uncertain significance (1 of 4 stars; one submission).

Conditions:
Hereditary cancer-predisposing syndrome. Also called: Hereditary neoplastic syndrome; Neoplastic Syndromes, Hereditary; Tumor predisposition; Hereditary Cancer Syndrome. Identifiers: Orphanet 140162, MedGen C0027672, MeSH D009386, MONDO:0015356.

Submission:

Ambry Genetics
Classification: Uncertain significance for Hereditary cancer-predisposing syndrome. Last evaluated: 2025-08-01. Review status: criteria provided, single submitter. Criteria: Ambry Variant Classification Scheme 2023. Collection method: clinical testing. Allele origin: germline.
Comment: The p.G1023E variant (also known as c.3068G>A) is located in coding exon 24 of the POLD1 gene. This change occurs in the first base pair of coding exon 24. The glycine at codon 1023 is replaced by glutamic acid, an amino acid with similar properties. This amino acid position is well conserved in available vertebrate species. In addition, this alteration is predicted to be tolerated by in silico analysis. Based on the available evidence, the clinical significance of this variant remains unclear.

NM_002691.4(POLD1):c.3068G>A (p.Gly1023Glu)

Gene: POLD1 (DNA polymerase delta 1, catalytic subunit; plus strand). Cytogenetic location: 19q13.33.
Variant type: single nucleotide variant.
Coding change: c.3068G>A on transcript NM_002691.4 (MANE Select); coding-DNA position 3068, G replaced by A.
Protein change: p.Gly1023Glu; replaces glycine 1023 with glutamic acid.
Molecular consequence: missense variant. On other transcripts: non-coding transcript variant (1).
Genome position (GRCh38, 1-based): chr19:50,417,045, G>A. VCF-style: chr19-50417045-G-A. GRCh37 (hg19) VCF-style: chr19-50920302-G-A.
Other names: c.3068G>A, p.Gly1023Glu (NM_001256849.1, NM_001438212.1, NM_001438213.1); c.3146G>A, p.Gly1049Glu (NM_001308632.1); c.2996G>A, p.Gly999Glu (NM_001438210.1, NM_001438211.1); short protein forms G1049E, G999E, G1023E.
Identifiers: ClinVar variation 4141010 (VCV004141010.1).
Genomic context (GRCh38, chr19:50,417,045, plus strand): 5'-GATGGGGTGGCCCAGTTCCTGGCTGGGCCCCAGCACTTGGGCTGACCCGCCTCCCCACAG[G>A]AGCCGTGTGTGAGTTCTGCCAGCCCCGGGAGTCTGAGCTGTATCAGAAGGAGGTGAGAGG-3'
Protein context (NP_002682.2, residues 1013-1033): IGCRTVLSHQ[Gly1023Glu]AVCEFCQPRE